The following is an entry in ClinVar:

ClinVar aggregate classification (germline): Uncertain significance (1 of 4 stars; one submission).

Submission:

Ambry Genetics
Classification: Uncertain significance. Last evaluated: 2025-02-06. Review status: criteria provided, single submitter. Criteria: Ambry Variant Classification Scheme 2023. Collection method: clinical testing. Allele origin: germline.
Comment: The p.A304T variant (also known as c.910G>A), located in coding exon 1 of the TET2 gene, results from a G to A substitution at nucleotide position 910. The alanine at codon 304 is replaced by threonine, an amino acid with similar properties. This amino acid position is conserved. In addition, this alteration is predicted to be tolerated by in silico analysis. Based on the available evidence, the clinical significance of this variant remains unclear.

NM_001127208.3(TET2):c.910G>A (p.Ala304Thr)

Genes: TET2 (tet methylcytosine dioxygenase 2; plus strand), TET2-AS1 (TET2 antisense RNA 1; minus strand). Cytogenetic location: 4q24.
Variant type: single nucleotide variant.
Coding change: c.910G>A on transcript NM_001127208.3 (MANE Select); coding-DNA position 910, G replaced by A.
Protein change: p.Ala304Thr; replaces alanine 304 with threonine.
Molecular consequence: missense variant.
Genome position (GRCh38, 1-based): chr4:105,234,852, G>A. VCF-style: chr4-105234852-G-A. GRCh37 (hg19) VCF-style: chr4-106156009-G-A.
Other names: c.910G>A, p.Ala304Thr (NM_017628.4); short protein forms A304T.
Identifiers: ClinVar variation 3806033 (VCV003806033.1).